The following is an entry in ClinVar:

ClinVar aggregate classification (germline): Uncertain significance (1 of 4 stars; one submission).

Submission:

GeneDx
Classification: Uncertain significance. Last evaluated: 2019-12-09. Review status: criteria provided, single submitter. Criteria: GeneDx Variant Classification Process June 2021. Collection method: clinical testing. Allele origin: germline. Affected: yes.
Comment: Not observed in large population cohorts (Lek et al., 2016); In silico analysis, which includes protein predictors and evolutionary conservation, supports that this variant does not alter protein structure/function; Has not been previously published as pathogenic or benign to our knowledge

NM_001371928.1(AHDC1):c.3714G>C (p.Lys1238Asn)

Gene: AHDC1 (AT-hook DNA binding motif containing 1; minus strand). Cytogenetic location: 1p36.11.
Variant type: single nucleotide variant.
Coding change: c.3714G>C on transcript NM_001371928.1 (MANE Select); coding-DNA position 3714, G replaced by C.
Protein change: p.Lys1238Asn; replaces lysine 1238 with asparagine.
Molecular consequence: missense variant.
Genome position (GRCh38, 1-based): chr1:27,548,402, C>G on the plus strand (G>C on the coding strand, the complement: AHDC1 is on the minus strand). VCF-style: chr1-27548402-C-G. GRCh37 (hg19) VCF-style: chr1-27874913-C-G.
Other names: c.3714G>C, p.Lys1238Asn (NM_001029882.3); short protein forms K1238N.
Identifiers: ClinVar variation 1311190 (VCV001311190.2), dbSNP rs2148265877, ClinGen allele CA339225335.